The following is an entry in ClinVar:

ClinVar aggregate classification (germline): Pathogenic (1 of 4 stars; one submission).

Submission:

Labcorp Genetics (formerly Invitae), Labcorp
Classification: Pathogenic. Last evaluated: 2024-01-12. Review status: criteria provided, single submitter. Criteria: Invitae Variant Classification Sherloc (09022015). Collection method: clinical testing. Allele origin: germline.
Comment: This variant is a gross deletion of the genomic region encompassing exon(s) 3-5 of the COX15 gene. This deletion is out-of-frame, and is expected to create a premature termination codon and result in an absent or disrupted protein product. Loss-of-function variants in COX15 are known to be pathogenic (PMID: 15863660, 21412973). This variant has not been reported in the literature in individuals affected with COX15-related conditions. For these reasons, this variant has been classified as Pathogenic.

Literature cited by the submitters: PubMed 15863660; PubMed 21412973.

NC_000010.10:g.(?_101483693)_(101487340_?)del

Gene: COX15 (cytochrome c oxidase assembly homolog COX15; minus strand). Cytogenetic location: 10q24.2.
Variant type: Deletion.
Identifiers: ClinVar variation 2425091 (VCV002425091.4).